The following is an entry in ClinVar:

ClinVar aggregate classification (germline): Benign (1 of 4 stars; one submission).

Allele frequency attached by ClinVar (database versions not stated): 1000 Genomes Project 30x 0.14116; 1000 Genomes Project 0.14357; TOPMed 0.16044; gnomAD 0.17232 and 0.17359.
gnomAD v4.1: 26,547 of 152,192 alleles (17%); highest among the groups gnomAD compares: Middle Eastern, 26%; 2,666 homozygotes.

Submission:

GeneDx
Classification: Benign. Last evaluated: 2018-06-19. Review status: criteria provided, single submitter. Criteria: GeneDx Variant Classification (06012015). Collection method: clinical testing. Allele origin: germline. Affected: yes.
Comment: This variant is considered likely benign or benign based on one or more of the following criteria: it is a conservative change, it occurs at a poorly conserved position in the protein, it is predicted to be benign by multiple in silico algorithms, and/or has population frequency not consistent with disease.

NM_000182.5(HADHA):c.2000+332T>G

Genes: GAREM2 (GRB2 associated regulator of MAPK1 subtype 2; plus strand), HADHA (hydroxyacyl-CoA dehydrogenase trifunctional multienzyme complex subunit alpha; minus strand). Cytogenetic location: 2p23.3.
Variant type: single nucleotide variant.
Coding change: c.2000+332T>G on transcript NM_000182.5 (MANE Select); 332 bases into the intron after coding-DNA position 2000, T replaced by G.
Molecular consequence: intron variant.
Genome position (GRCh38, 1-based): chr2:26,191,978, A>C on the plus strand (T>G on the coding strand, the complement: HADHA is on the minus strand). VCF-style: chr2-26191978-A-C. GRCh37 (hg19) VCF-style: chr2-26414847-A-C.
Identifiers: ClinVar variation 680602 (VCV000680602.1), dbSNP rs12999875, ClinGen allele CA11004378.